The following is an entry in ClinVar:

NM_001206927.2(DNAH8):c.3155G>T (p.Cys1052Phe)

Gene: DNAH8 (dynein axonemal heavy chain 8; plus strand). Cytogenetic location: 6p21.2.
Variant type: single nucleotide variant.
Coding change: c.3155G>T on transcript NM_001206927.2 (MANE Select); coding-DNA position 3155, G replaced by T.
Protein change: p.Cys1052Phe; replaces cysteine 1052 with phenylalanine.
Molecular consequence: missense variant.
Genome position (GRCh38, 1-based): chr6:38,807,614, G>T. VCF-style: chr6-38807614-G-T. GRCh37 (hg19) VCF-style: chr6-38775390-G-T.
Other names: c.2504G>T, p.Cys835Phe (NM_001371.4); short protein forms C835F, C1052F.
Identifiers: ClinVar variation 1966350 (VCV001966350.5), dbSNP rs373886534, ClinGen allele CA363996392.

ClinVar aggregate classification (germline): Uncertain significance (1 of 4 stars; one submission).

Conditions:
Primary ciliary dyskinesia. Also called: Ciliary dyskinesia. Identifiers: Orphanet 244, MedGen C0008780, MONDO:0016575, HP:0012265.

gnomAD v4.1: 1 of 1,521,522 alleles (0.000066%); highest among the groups gnomAD compares: Non-Finnish European, 0.000088%; no homozygotes.

Submission:

Labcorp Genetics (formerly Invitae), Labcorp
Classification: Uncertain significance for Primary ciliary dyskinesia. Last evaluated: 2022-11-08. Review status: criteria provided, single submitter. Criteria: Invitae Variant Classification Sherloc (09022015). Collection method: clinical testing. Allele origin: germline.
Comment: In summary, the available evidence is currently insufficient to determine the role of this variant in disease. Therefore, it has been classified as a Variant of Uncertain Significance. Algorithms developed to predict the effect of missense changes on protein structure and function are either unavailable or do not agree on the potential impact of this missense change (SIFT: "Deleterious"; PolyPhen-2: "Not Available"; Align-GVGD: "Class C0"). This variant has not been reported in the literature in individuals affected with DNAH8-related conditions. This variant is not present in population databases (gnomAD no frequency). This sequence change replaces cysteine, which is neutral and slightly polar, with phenylalanine, which is neutral and non-polar, at codon 1052 of the DNAH8 protein (p.Cys1052Phe).